The following is an entry in ClinVar:

NM_001033044.4(GLUL):c.267C>G (p.Phe89Leu)

Gene: GLUL (glutamate-ammonia ligase; minus strand). Cytogenetic location: 1q25.3.
Variant type: single nucleotide variant.
Coding change: c.267C>G on transcript NM_001033044.4 (MANE Select); coding-DNA position 267, C replaced by G.
Protein change: p.Phe89Leu; replaces phenylalanine 89 with leucine.
Molecular consequence: missense variant.
Genome position (GRCh38, 1-based): chr1:182,387,192, G>C on the plus strand (C>G on the coding strand, the complement: GLUL is on the minus strand). VCF-style: chr1-182387192-G-C. GRCh37 (hg19) VCF-style: chr1-182356327-G-C.
Other names: c.267C>G, p.Phe89Leu (NM_001033056.4, NM_002065.7); short protein forms F89L.
Identifiers: ClinVar variation 2413370 (VCV002413370.6), dbSNP rs2525587381, ClinGen allele CA343628874.
Genomic context (GRCh38, chr1:182,387,192, plus strand): 5'-TGCAGGCCTTCGATTGTACTTGAAAACTTCACATAACACCAGCTTGTTAGGGTCCTTACG[G>C]AAGGGGTCCCGAAACATGGCAGCAGGCACGAGATACATGTCACTGTTGGAACCCTCAGAC-3'
Protein context (NP_001028216.1, residues 79-99): LVPAAMFRDP[Phe89Leu]RKDPNKLVLC

ClinVar aggregate classification (germline): Uncertain significance (1 of 4 stars; one submission).

Conditions:
Congenital brain dysgenesis due to glutamine synthetase deficiency (GLND). Also called: GLUTAMINE SYNTHASE DEFICIENCY, CONGENITAL SYSTEMIC. Identifiers: Orphanet 71278, MedGen C1864910, MONDO:0012393, OMIM 610015.

Submission:

Labcorp Genetics (formerly Invitae), Labcorp
Classification: Uncertain significance for Congenital brain dysgenesis due to glutamine synthetase deficiency. Last evaluated: 2022-08-12. Review status: criteria provided, single submitter. Criteria: Invitae Variant Classification Sherloc (09022015). Collection method: clinical testing. Allele origin: germline.
Comment: This sequence change replaces phenylalanine, which is neutral and non-polar, with leucine, which is neutral and non-polar, at codon 89 of the GLUL protein (p.Phe89Leu). In summary, the available evidence is currently insufficient to determine the role of this variant in disease. Therefore, it has been classified as a Variant of Uncertain Significance. Algorithms developed to predict the effect of missense changes on protein structure and function are either unavailable or do not agree on the potential impact of this missense change (SIFT: "Deleterious"; PolyPhen-2: "Possibly Damaging"; Align-GVGD: "Class C15"). This variant has not been reported in the literature in individuals affected with GLUL-related conditions. This variant is not present in population databases (gnomAD no frequency).